The following is an entry in ClinVar:

NM_002473.6(MYH9):c.1890C>T (p.Thr630=)

Gene: MYH9 (myosin heavy chain 9; minus strand). Cytogenetic location: 22q12.3.
Variant type: single nucleotide variant.
Coding change: c.1890C>T on transcript NM_002473.6 (MANE Select); coding-DNA position 1890, C replaced by T.
Protein change: p.Thr630=; no amino-acid change (threonine 630 retained).
Molecular consequence: synonymous variant.
Genome position (GRCh38, 1-based): chr22:36,306,561, G>A on the plus strand (C>T on the coding strand, the complement: MYH9 is on the minus strand). VCF-style: chr22-36306561-G-A. GRCh37 (hg19) VCF-style: chr22-36702607-G-A.
Other names: p.Thr630=; c.1890C>T (NM_002473.5).
Identifiers: ClinVar variation 227603 (VCV000227603.39), dbSNP rs762239398, ClinGen allele CA10210145.

ClinVar aggregate classification (germline): Conflicting classifications of pathogenicity. Review status: criteria provided, conflicting classifications (1 of 4 stars). 8 submissions from 7 submitters: Uncertain significance (1); Benign (1); Likely benign (6). Last evaluated 2026-07-01.

Conditions:
MYH9-related disorder. Identifiers: MedGen C1854520.
Autosomal dominant nonsyndromic hearing loss 17. Also called: Autosomal dominant nonsyndromic deafness 17; Deafness, autosomal dominant 17. Identifiers: Orphanet 90635, MedGen C1863659, MONDO:0011350, OMIM 603622.

Allele frequency attached by ClinVar (database versions not stated): gnomAD 0.00001; TOPMed 0.00001; ExAC 0.00003; gnomAD exomes 0.00004 and 0.00006.
gnomAD v4.1: 94 of 1,613,830 alleles (0.0058%); highest among the groups gnomAD compares: Middle Eastern, 0.12%; 2 homozygotes.

Submissions (8):

CeGaT Center for Human Genetics Tuebingen
Classification: Likely benign. Last evaluated: 2026-07-01. Review status: criteria provided, single submitter. Criteria: CeGaT Center For Human Genetics Tuebingen Variant Classification Criteria Version 2. Collection method: clinical testing. Allele origin: germline. Affected: yes. Observed: 3 variant alleles.
Comment: MYH9: BP4, BP7

Labcorp Genetics (formerly Invitae), Labcorp
Classification: Likely benign. Last evaluated: 2026-01-14. Review status: criteria provided, single submitter. Criteria: Invitae Variant Classification Sherloc (09022015). Collection method: clinical testing. Allele origin: germline.

Women's Health and Genetics/Laboratory Corporation of America, LabCorp
Classification: Likely benign. Last evaluated: 2025-10-24. Review status: criteria provided, single submitter. Criteria: LabCorp Variant Classification Summary - May 2015. Collection method: clinical testing. Allele origin: germline.

Mayo Clinic Laboratories, Mayo Clinic
Classification: Likely benign. Last evaluated: 2025-03-10. Review status: criteria provided, single submitter. Criteria: ACMG Guidelines, 2015. Collection method: clinical testing. Allele origin: germline. Observed: 1 variant allele.
Comment: BP4, BP7

Blueprint Genetics
Classification: Likely benign. Last evaluated: 2024-05-23. Review status: criteria provided, single submitter. Criteria: ACMG Guidelines, 2015. Collection method: clinical testing. Allele origin: germline.

Illumina Laboratory Services, Illumina
Classification: Uncertain significance for Autosomal dominant nonsyndromic hearing loss 17. Last evaluated: 2018-01-13. Review status: criteria provided, single submitter. Criteria: ICSL Variant Classification Criteria 13 December 2019. Collection method: clinical testing. Allele origin: germline.

Illumina Laboratory Services, Illumina
Classification: Benign for MYH9-related disorder. Last evaluated: 2018-01-13. Review status: criteria provided, single submitter. Criteria: ICSL Variant Classification Criteria 13 December 2019. Collection method: clinical testing. Allele origin: germline.
Comment: This variant was observed in the ICSL laboratory as part of a predisposition screen in an ostensibly healthy population. It had not been previously curated by ICSL or reported in the Human Gene Mutation Database (HGMD: prior to June 1st, 2018), and was therefore a candidate for classification through an automated scoring system. Utilizing variant allele frequency, disease prevalence and penetrance estimates, and inheritance mode, an automated score was calculated to assess if this variant is too frequent to cause the disease. Based on the score and internal cut-off values, a variant classified as benign is not then subjected to further curation. The score for this variant resulted in a classification of benign for this disease.

Laboratory for Molecular Medicine, Mass General Brigham Personalized Medicine
Classification: Likely benign. Last evaluated: 2015-06-16. Review status: criteria provided, single submitter. Criteria: LMM Criteria. Collection method: clinical testing. Allele origin: germline. Observed: 1 variant allele.
Comment: p.Thr630Thr in exon 16 of MYH9: This variant is not expected to have clinical si gnificance because it does not alter an amino acid residue and is not located wi thin the splice consensus sequence. The variant has been identified in 2/65194 E uropean chromosomes and 2/16314 South Asian chromosomes by the Exome Aggregation Consortium (ExAC).